The following is an entry in ClinVar:

NM_032601.4(MCEE):c.102C>G (p.Pro34=)

Gene: MCEE (methylmalonyl-CoA epimerase; minus strand). Cytogenetic location: 2p13.3.
Variant type: single nucleotide variant.
Coding change: c.102C>G on transcript NM_032601.4 (MANE Select); coding-DNA position 102, C replaced by G.
Protein change: p.Pro34=; no amino-acid change (proline 34 retained).
Molecular consequence: synonymous variant.
Genome position (GRCh38, 1-based): chr2:71,124,482, G>C on the plus strand (C>G on the coding strand, the complement: MCEE is on the minus strand). VCF-style: chr2-71124482-G-C. GRCh37 (hg19) VCF-style: chr2-71351612-G-C.
Identifiers: ClinVar variation 195391 (VCV000195391.55), dbSNP rs146573280, ClinGen allele CA201716.

ClinVar aggregate classification (germline): Conflicting classifications of pathogenicity. Review status: criteria provided, conflicting classifications (1 of 4 stars). 6 submissions from 6 submitters: Uncertain significance (1); Benign (4); Likely benign (1). Last evaluated 2026-08-01.

Conditions:
Methylmalonic acidemia due to methylmalonyl-CoA epimerase deficiency. Also called: METHYLMALONYL-CoA RACEMASE DEFICIENCY; Methylmalonyl-CoA Epimerase Deficiency; METHYLMALONIC ACIDURIA III. Identifiers: Orphanet 308425, MedGen C1855100, MONDO:0009615, OMIM 251120.

Allele frequency attached by ClinVar (database versions not stated): 1000 Genomes Project 0.00240; 1000 Genomes Project 30x 0.00250; ESP Exome Variant Server 0.00469; TOPMed 0.00504; gnomAD 0.00618 and 0.00646.

Submissions (6):

CeGaT Center for Human Genetics Tuebingen
Classification: Likely benign. Last evaluated: 2026-08-01. Review status: criteria provided, single submitter. Criteria: CeGaT Center For Human Genetics Tuebingen Variant Classification Criteria Version 2. Collection method: clinical testing. Allele origin: germline. Affected: yes. Observed: 5 variant alleles.
Comment: MCEE: BP4, BP7, BS2

Labcorp Genetics (formerly Invitae), Labcorp
Classification: Benign for Methylmalonic acidemia due to methylmalonyl-CoA epimerase deficiency. Last evaluated: 2026-02-01. Review status: criteria provided, single submitter. Criteria: Invitae Variant Classification Sherloc (09022015). Collection method: clinical testing. Allele origin: germline.

ARUP Laboratories, Molecular Genetics and Genomics, ARUP Laboratories
Classification: Benign for Methylmalonic acidemia due to methylmalonyl-CoA epimerase deficiency. Last evaluated: 2023-11-08. Review status: criteria provided, single submitter. Criteria: ARUP Molecular Germline Variant Investigation Process 2024. Collection method: clinical testing. Allele origin: germline.

Illumina Laboratory Services, Illumina
Classification: Uncertain significance for Methylmalonic acidemia due to methylmalonyl-CoA epimerase deficiency. Last evaluated: 2018-01-12. Review status: criteria provided, single submitter. Criteria: ICSL Variant Classification Criteria 13 December 2019. Collection method: clinical testing. Allele origin: germline.

GeneDx
Classification: Benign. Last evaluated: 2016-05-02. Review status: criteria provided, single submitter. Criteria: GeneDx Variant Classification (06012015). Collection method: clinical testing. Allele origin: germline. Affected: yes.
Comment: This variant is considered likely benign or benign based on one or more of the following criteria: it is a conservative change, it occurs at a poorly conserved position in the protein, it is predicted to be benign by multiple in silico algorithms, and/or has population frequency not consistent with disease.

Eurofins Ntd Llc (ga)
Classification: Benign. Last evaluated: 2015-05-19. Review status: criteria provided, single submitter. Criteria: EGL Classification Definitions 2015. Collection method: clinical testing. Allele origin: germline. Observed: 1 variant allele, 1 heterozygote.